The following is an entry in ClinVar:

ClinVar aggregate classification (germline): Uncertain significance. Review status: criteria provided, multiple submitters, no conflicts (2 of 4 stars). 2 submissions from 2 submitters: Uncertain significance (2). Last evaluated 2023-09-20.

Conditions:
Inborn genetic diseases. Identifiers: MedGen C0950123, MeSH D030342.

Allele frequency attached by ClinVar (database versions not stated): ExAC 0.00005; TOPMed 0.00006; gnomAD 0.00007; ESP Exome Variant Server 0.00008; gnomAD exomes 0.00009.
gnomAD v4.1: 140 of 1,613,922 alleles (0.0087%); highest among the groups gnomAD compares: Non-Finnish European, 0.011%; no homozygotes.

Submissions (2):

Ambry Genetics
Classification: Uncertain significance for Inborn genetic diseases. Last evaluated: 2023-09-20. Review status: criteria provided, single submitter. Criteria: Ambry Variant Classification Scheme 2023. Collection method: clinical testing. Allele origin: germline.

Labcorp Genetics (formerly Invitae), Labcorp
Classification: Uncertain significance. Last evaluated: 2022-04-01. Review status: criteria provided, single submitter. Criteria: Invitae Variant Classification Sherloc (09022015). Collection method: clinical testing. Allele origin: germline.
Comment: This sequence change replaces arginine, which is basic and polar, with glutamine, which is neutral and polar, at codon 438 of the VAC14 protein (p.Arg438Gln). This variant is present in population databases (rs199713327, gnomAD 0.007%). This variant has not been reported in the literature in individuals affected with VAC14-related conditions. Algorithms developed to predict the effect of missense changes on protein structure and function (SIFT, PolyPhen-2, Align-GVGD) all suggest that this variant is likely to be tolerated. In summary, the available evidence is currently insufficient to determine the role of this variant in disease. Therefore, it has been classified as a Variant of Uncertain Significance.

NM_018052.5(VAC14):c.1313G>A (p.Arg438Gln)

Genes: VAC14 (VAC14 component of PIKFYVE complex; minus strand), VAC14-AS1 (VAC14 antisense RNA 1; plus strand). Cytogenetic location: 16q22.1.
Variant type: single nucleotide variant.
Coding change: c.1313G>A on transcript NM_018052.5 (MANE Select); coding-DNA position 1313, G replaced by A.
Protein change: p.Arg438Gln; replaces arginine 438 with glutamine.
Molecular consequence: missense variant.
Genome position (GRCh38, 1-based): chr16:70,762,598, C>T on the plus strand (G>A on the coding strand, the complement: VAC14 is on the minus strand). VCF-style: chr16-70762598-C-T. GRCh37 (hg19) VCF-style: chr16-70796501-C-T.
Other names: c.611G>A, p.Arg204Gln (NM_001351157.2); c.1313G>A (NM_018052.3); short protein forms R204Q, R438Q.
Identifiers: ClinVar variation 2148871 (VCV002148871.2), dbSNP rs199713327, ClinGen allele CA8147717.